The following is an entry in ClinVar:

NM_000535.7(PMS2):c.932A>G (p.His311Arg)

Gene: PMS2 (PMS1 homolog 2, mismatch repair system component; minus strand). Cytogenetic location: 7p22.1.
Variant type: single nucleotide variant.
Coding change: c.932A>G on transcript NM_000535.7 (MANE Select); coding-DNA position 932, A replaced by G.
Protein change: p.His311Arg; replaces histidine 311 with arginine.
Molecular consequence: missense variant. On other transcripts: non-coding transcript variant (1), intron variant (1), 5 prime UTR variant (2).
Genome position (GRCh38, 1-based): chr7:5,992,029, T>C on the plus strand (A>G on the coding strand, the complement: PMS2 is on the minus strand). VCF-style: chr7-5992029-T-C. GRCh37 (hg19) VCF-style: chr7-6031660-T-C.
Other names: c.566A>G, p.His189Arg (NM_001406886.1); c.527A>G, p.His176Arg (NM_001406887.1, NM_001406888.1, NM_001406889.1 and 20 more transcripts); c.623A>G, p.His208Arg (NM_001406900.1, NM_001322015.2, NM_001406875.1 and 6 more transcripts); c.614A>G, p.His205Arg (NM_001406901.1, NM_001406902.1, NM_001406903.1 and 4 more transcripts); c.419A>G, p.His140Arg (NM_001406904.1, NM_001406905.1); c.359A>G, p.His120Arg (NM_001406909.1, NM_001322013.2); c.161A>G, p.His54Arg (NM_001406911.1); c.803+5297A>G (NM_001406912.1); and 9 more; short protein forms H311R, H120R, H205R, H208R, H176R, H140R, H189R, H199R.
Identifiers: ClinVar variation 567244 (VCV000567244.16), dbSNP rs1562651786, ClinGen allele CA366743170.

ClinVar aggregate classification (germline): Uncertain significance. Review status: criteria provided, multiple submitters, no conflicts (2 of 4 stars). 5 submissions from 5 submitters: Uncertain significance (5). Last evaluated 2025-09-25.

Conditions:
Hereditary nonpolyposis colorectal neoplasms. Identifiers: MedGen C0009405, MeSH D003123.
Mismatch repair cancer syndrome 4. Identifiers: MedGen C5436817, MONDO:0030843, OMIM 619101.
Hereditary cancer-predisposing syndrome. Also called: Neoplastic Syndromes, Hereditary; Tumor predisposition; Hereditary neoplastic syndrome; Hereditary Cancer Syndrome. Identifiers: Orphanet 140162, MedGen C0027672, MeSH D009386, MONDO:0015356.

Allele frequency attached by ClinVar (database versions not stated): gnomAD 0.00001.
gnomAD v4.1: 2 of 1,598,956 alleles (0.00013%); no homozygotes.

Submissions (5):

Labcorp Genetics (formerly Invitae), Labcorp
Classification: Uncertain significance for Hereditary nonpolyposis colorectal neoplasms. Last evaluated: 2025-09-25. Review status: criteria provided, single submitter. Criteria: Invitae Variant Classification Sherloc (09022015). Collection method: clinical testing. Allele origin: germline.
Comment: This sequence change replaces histidine, which is basic and polar, with arginine, which is basic and polar, at codon 311 of the PMS2 protein (p.His311Arg). This variant is not present in population databases (gnomAD no frequency). This missense change has been observed in individual(s) with pancreatic ductal adenocarcinoma (PMID: 28767289). ClinVar contains an entry for this variant (Variation ID: 567244). Invitae Evidence Modeling incorporating data from in vitro experimental studies (internal data) indicates that this missense variant is not expected to disrupt PMS2 function with a negative predictive value of 95%. In summary, the available evidence is currently insufficient to determine the role of this variant in disease. Therefore, it has been classified as a Variant of Uncertain Significance.

Quest Diagnostics Nichols Institute San Juan Capistrano
Classification: Uncertain significance. Last evaluated: 2025-01-17. Review status: criteria provided, single submitter. Criteria: Quest Diagnostics criteria. Collection method: clinical testing. Allele origin: unknown.
Comment: The PMS2 c.932A>G (p.His311Arg) variant has been reported in the published literature in individuals affected with pancreatic cancer (PMID: 28767289 (2017), 39256447 (2024)). The frequency of this variant in the general population (Genome Aggregation Database) is uninformative in the assessment of its pathogenicity. Analysis of this variant using bioinformatics tools for the prediction of the effect of amino acid changes on protein structure and function yielded predictions that this variant is damaging. Based on the available information, we are unable to determine the clinical significance of this variant.

Department of Pathology and Laboratory Medicine, Sinai Health System
Classification: Uncertain significance for Mismatch repair cancer syndrome 4. Last evaluated: 2024-05-01. Review status: criteria provided, single submitter. Criteria: ACMG Guidelines, 2015. Collection method: clinical testing. Allele origin: germline. Affected: yes.

Ambry Genetics
Classification: Uncertain significance for Hereditary cancer-predisposing syndrome. Last evaluated: 2023-12-13. Review status: criteria provided, single submitter. Criteria: Ambry Variant Classification Scheme 2023. Collection method: clinical testing. Allele origin: germline.
Comment: The p.H311R variant (also known as c.932A>G), located in coding exon 9 of the PMS2 gene, results from an A to G substitution at nucleotide position 932. The histidine at codon 311 is replaced by arginine, an amino acid with highly similar properties. This alteration was identified in a cohort of patients with pancreatic cancer or other periampullary neoplasms tested for hereditary cancer risk via a multi-gene panel (Shindo K et al. J Clin Oncol 2017 Oct;35(30):3382-3390). This amino acid position is highly conserved in available vertebrate species. In addition, the in silico prediction for this alteration is inconclusive. Since supporting evidence is limited at this time, the clinical significance of this alteration remains unclear.

Color Diagnostics, LLC DBA Color Health
Classification: Uncertain significance for Hereditary cancer-predisposing syndrome. Last evaluated: 2022-06-30. Review status: criteria provided, single submitter. Criteria: ACMG Guidelines, 2015. Collection method: clinical testing. Allele origin: germline.
Comment: This missense variant replaces histidine with arginine at codon 311 of the PMS2 protein. Computational prediction is inconclusive regarding the impact of this variant on protein structure and function (internally defined REVEL score threshold 0.5 < inconclusive < 0.7, PMID: 27666373). To our knowledge, functional studies have not been reported for this variant. This variant has not been reported in individuals affected with hereditary cancer in the literature. This variant has not been identified in the general population by the Genome Aggregation Database (gnomAD). The available evidence is insufficient to determine the role of this variant in disease conclusively. Therefore, this variant is classified as a Variant of Uncertain Significance.

Literature cited by the submitters: PubMed 28767289 (cited by 3 submitters); PubMed 39256447 (cited by Quest Diagnostics Nichols Institute San Juan Capistrano).